The following is an entry in ClinVar:

ClinVar aggregate classification (germline): Uncertain significance. Review status: criteria provided, multiple submitters, no conflicts (2 of 4 stars). 2 submissions from 2 submitters: Uncertain significance (2). Last evaluated 2025-07-11.

Conditions:
Hereditary cancer-predisposing syndrome. Also called: Hereditary Cancer Syndrome; Hereditary neoplastic syndrome; Tumor predisposition; Neoplastic Syndromes, Hereditary. Identifiers: Orphanet 140162, MedGen C0027672, MeSH D009386, MONDO:0015356.
Familial cancer of breast. Also called: hereditary breast carcinoma; BREAST CANCER, FAMILIAL; Hereditary breast cancer. Identifiers: Orphanet 227535, MedGen C0346153, MONDO:0016419, OMIM 114480. Disease mechanism: loss of function.

Submissions (2):

Ambry Genetics
Classification: Uncertain significance for Hereditary cancer-predisposing syndrome. Last evaluated: 2025-07-11. Review status: criteria provided, single submitter. Criteria: Ambry Variant Classification Scheme 2023. Collection method: clinical testing. Allele origin: germline.
Comment: The p.D346G variant (also known as c.1037A>G), located in coding exon 4 of the BARD1 gene, results from an A to G substitution at nucleotide position 1037. The aspartic acid at codon 346 is replaced by glycine, an amino acid with similar properties. This amino acid position is conserved. In addition, this alteration is predicted to be tolerated by in silico analysis. Based on the available evidence, the clinical significance of this variant remains unclear.

Labcorp Genetics (formerly Invitae), Labcorp
Classification: Uncertain significance for Familial cancer of breast. Last evaluated: 2022-09-11. Review status: criteria provided, single submitter. Criteria: Invitae Variant Classification Sherloc (09022015). Collection method: clinical testing. Allele origin: germline.
Comment: In summary, the available evidence is currently insufficient to determine the role of this variant in disease. Therefore, it has been classified as a Variant of Uncertain Significance. Algorithms developed to predict the effect of missense changes on protein structure and function output the following: SIFT: "Tolerated"; PolyPhen-2: "Benign"; Align-GVGD: "Class C0". The glycine amino acid residue is found in multiple mammalian species, which suggests that this missense change does not adversely affect protein function. This variant has not been reported in the literature in individuals affected with BARD1-related conditions. This variant is not present in population databases (gnomAD no frequency). This sequence change replaces aspartic acid, which is acidic and polar, with glycine, which is neutral and non-polar, at codon 346 of the BARD1 protein (p.Asp346Gly).

NM_000465.4(BARD1):c.1037A>G (p.Asp346Gly)

Gene: BARD1 (BRCA1 associated RING domain 1; minus strand). Cytogenetic location: 2q35.
Variant type: single nucleotide variant.
Coding change: c.1037A>G on transcript NM_000465.4 (MANE Select); coding-DNA position 1037, A replaced by G.
Protein change: p.Asp346Gly; replaces aspartic acid 346 with glycine.
Molecular consequence: missense variant. On other transcripts: non-coding transcript variant (2), intron variant (3).
Genome position (GRCh38, 1-based): chr2:214,780,837, T>C on the plus strand (A>G on the coding strand, the complement: BARD1 is on the minus strand). VCF-style: chr2-214780837-T-C. GRCh37 (hg19) VCF-style: chr2-215645561-T-C.
Other names: c.1037A>G (NM_000465.2); c.980A>G, p.Asp327Gly (NM_001282543.2); c.159-28282A>G (NM_001282548.2); c.215+16224A>G (NM_001282545.2); c.364+11460A>G (NM_001282549.2); short protein forms D346G, D327G.
Identifiers: ClinVar variation 1959211 (VCV001959211.6), dbSNP rs1694968313, ClinGen allele CA350454231.